The following is an entry in ClinVar:

ClinVar aggregate classification (germline): Pathogenic/Likely pathogenic. Review status: criteria provided, multiple submitters, no conflicts (2 of 4 stars). 3 submissions from 3 submitters: Pathogenic (1); Likely pathogenic (2). Last evaluated 2024-04-19.

Conditions:
TTC7A-related disorder. Also called: TTC7A-related condition.
Multiple gastrointestinal atresias. Also called: Multiple intestinal atresia; FAMILIAL INTESTINAL POLYATRESIA SYNDROME. Identifiers: Orphanet 2300, MedGen C0220744, MONDO:0009465.
Gastrointestinal defects and immunodeficiency syndrome 1 (GIDID1). Also called: Combined immunodeficiency-enteropathy spectrum. Identifiers: Orphanet 436252, MedGen C5968858, MONDO:0800030, OMIM 243150.

Allele frequency attached by ClinVar (database versions not stated): TOPMed below 0.00001; ExAC 0.00001; gnomAD 0.00001; gnomAD exomes 0.00001.

Submissions (3):

Fulgent Genetics
Classification: Likely pathogenic for Gastrointestinal defects and immunodeficiency syndrome 1. Last evaluated: 2024-04-19. Review status: criteria provided, single submitter. Criteria: ACMG Guidelines, 2015. Collection method: clinical testing. Allele origin: germline.

Labcorp Genetics (formerly Invitae), Labcorp
Classification: Pathogenic for Multiple gastrointestinal atresias. Last evaluated: 2022-11-03. Review status: criteria provided, single submitter. Criteria: Invitae Variant Classification Sherloc (09022015). Collection method: clinical testing. Allele origin: germline.
Comment: The frequency data for this variant in the population databases is considered unreliable, as metrics indicate poor data quality at this position in the gnomAD database. This sequence change creates a premature translational stop signal (p.Gln541*) in the TTC7A gene. It is expected to result in an absent or disrupted protein product. Loss-of-function variants in TTC7A are known to be pathogenic (PMID: 23830146, 24292712). For these reasons, this variant has been classified as Pathogenic. ClinVar contains an entry for this variant (Variation ID: 1068689). This variant has not been reported in the literature in individuals affected with TTC7A-related conditions.

Blueprint Genetics
Classification: Likely pathogenic for TTC7A-related disorders. Last evaluated: 2019-06-21. Review status: criteria provided, single submitter. Criteria: ACMG Guidelines, 2015. Collection method: clinical testing. Allele origin: germline. Affected: yes. Observed: 1 variant allele.

Literature cited by the submitters: PubMed 23830146 (cited by Labcorp Genetics (formerly Invitae), Labcorp); PubMed 24292712 (cited by Labcorp Genetics (formerly Invitae), Labcorp).

NM_020458.4(TTC7A):c.1621C>T (p.Gln541Ter)

Gene: TTC7A (tetratricopeptide repeat domain 7A; plus strand). Cytogenetic location: 2p21.
Variant type: single nucleotide variant.
Coding change: c.1621C>T on transcript NM_020458.4 (MANE Select); coding-DNA position 1621, C replaced by T.
Protein change: p.Gln541Ter; replaces glutamine 541 with a stop codon.
Molecular consequence: nonsense.
Genome position (GRCh38, 1-based): chr2:47,024,339, C>T. VCF-style: chr2-47024339-C-T. GRCh37 (hg19) VCF-style: chr2-47251478-C-T.
Other names: c.1621C>T, p.Gln541Ter (NM_001288951.2); c.1519C>T, p.Gln507Ter (NM_001288953.2); c.559C>T, p.Gln187Ter (NM_001288955.2); c.1621C>T (NM_001288951.1); short protein forms Q187*, Q507*, Q541*.
Identifiers: ClinVar variation 1068689 (VCV001068689.9), dbSNP rs765653721, ClinGen allele CA1647769.